The following is an entry in ClinVar:

NM_002693.3(POLG):c.496C>T (p.Pro166Ser)

Genes: POLG (DNA polymerase gamma, catalytic subunit; minus strand), POLGARF (POLG alternative reading frame; minus strand). Cytogenetic location: 15q26.1.
Variant type: single nucleotide variant.
Coding change: c.496C>T on transcript NM_002693.3 (MANE Select); coding-DNA position 496, C replaced by T.
Protein change: p.Pro166Ser; replaces proline 166 with serine.
Molecular consequence: missense variant.
Genome position (GRCh38, 1-based): chr15:89,333,259, G>A on the plus strand (C>T on the coding strand, the complement: POLG is on the minus strand). VCF-style: chr15-89333259-G-A. GRCh37 (hg19) VCF-style: chr15-89876490-G-A.
Other names: c.496C>T, p.Pro166Ser (NM_001126131.2); short protein forms P166S.
Identifiers: ClinVar variation 2228339 (VCV002228339.2), dbSNP rs2509275191, ClinGen allele CA393771281.

ClinVar aggregate classification (germline): Uncertain significance (1 of 4 stars; one submission).

Conditions:
Inborn genetic diseases. Identifiers: MedGen C0950123, MeSH D030342.

gnomAD v4.1: 10 of 1,566,430 alleles (0.00064%); highest among the groups gnomAD compares: East Asian, 0.0024%; no homozygotes.

Submission:

Ambry Genetics
Classification: Uncertain significance for Inborn genetic diseases. Last evaluated: 2020-12-03. Review status: criteria provided, single submitter. Criteria: Ambry Variant Classification Scheme 2023. Collection method: clinical testing. Allele origin: germline.
Comment: The c.496C>T (p.P166S) alteration is located in exon 2 (coding exon 1) of the POLG gene. This alteration results from a C to T substitution at nucleotide position 496, causing the proline (P) at amino acid position 166 to be replaced by a serine (S). The in silico prediction for the p.P166S alteration is inconclusive. Based on insufficient or conflicting evidence, the clinical significance of this alteration remains unclear.